The following is an entry in ClinVar:

ClinVar aggregate classification (germline): Pathogenic (1 of 4 stars; one submission).

Conditions:
Hereditary breast ovarian cancer syndrome. Also called: BRCA1- and BRCA2-Associated Hereditary Breast and Ovarian Cancer; Hereditary breast and ovarian cancer syndrome; Hereditary breast and ovarian cancer syndrome (HBOC); Hereditary breast and/or ovarian cancer syndrome; Breast and ovarian cancer; Hereditary breast and ovarian cancer. Identifiers: Orphanet 145, MedGen C0677776, MeSH D061325, MONDO:0003582. Disease mechanism: loss of function.

Submission:

Labcorp Genetics (formerly Invitae), Labcorp
Classification: Pathogenic for Hereditary breast ovarian cancer syndrome. Last evaluated: 2019-11-05. Review status: criteria provided, single submitter. Criteria: Invitae Variant Classification Sherloc (09022015). Collection method: clinical testing. Allele origin: germline.
Comment: For these reasons, this variant has been classified as Pathogenic. Loss-of-function variants in BRCA2 are known to be pathogenic (PMID: 20104584). This variant has not been reported in the literature in individuals with BRCA2-related conditions. ClinVar contains an entry for this variant (Variation ID: 658370). This variant is not present in population databases (ExAC no frequency). This sequence change creates a premature translational stop signal (p.Gln961Hisfs*3) in the BRCA2 gene. It is expected to result in an absent or disrupted protein product.

Literature cited by the submitters: PubMed 20104584.

NM_000059.4(BRCA2):c.2883del (p.Gln961fs)

Gene: BRCA2 (BRCA2 DNA repair associated; plus strand). Cytogenetic location: 13q13.1.
Variant type: Deletion.
Coding change: c.2883del on transcript NM_000059.4 (MANE Select); coding-DNA position 2883, one base deleted (G; older notation c.2883delG).
Protein change: p.Gln961fs; shifts the reading frame from glutamine 961.
Molecular consequence: frameshift variant.
Genome position (GRCh38, 1-based): chr13:32,337,238, G deleted. VCF-style (leftmost placement, unchanged base first): chr13-32337237-AG-A. GRCh37 (hg19) VCF-style: chr13-32911374-AG-A.
Other names: short protein forms Q961fs.
Identifiers: ClinVar variation 658370 (VCV000658370.9), dbSNP rs1593898028, ClinGen allele CA915948443.
Genomic context (GRCh38, chr13:32,337,237, plus strand): 5'-TGTCAATTAAAAAAGATTTGGTTTATGTTCTTGCAGAGGAGAACAAAAATAGTGTAAAGC[AG>A]CATATAAAAATGACTCTAGGTCAAGATTTAAAATCGGACATCTCCTTGAATATAGATAAA-3'